The following is an entry in ClinVar:

NM_201548.5(CERKL):c.1347T>A (p.Tyr449Ter)

Gene: CERKL (CERK like autophagy regulator; minus strand). Cytogenetic location: 2q31.3.
Variant type: single nucleotide variant.
Coding change: c.1347T>A on transcript NM_201548.5 (MANE Select); coding-DNA position 1347, T replaced by A.
Protein change: p.Tyr449Ter; replaces tyrosine 449 with a stop codon.
Molecular consequence: nonsense. On other transcripts: non-coding transcript variant (2).
Genome position (GRCh38, 1-based): chr2:181,544,718, A>T on the plus strand (T>A on the coding strand, the complement: CERKL is on the minus strand). VCF-style: chr2-181544718-A-T. GRCh37 (hg19) VCF-style: chr2-182409445-A-T.
Other names: c.1425T>A, p.Tyr475Ter (NM_001030311.3); c.1008T>A, p.Tyr336Ter (NM_001030312.3); c.1140T>A, p.Tyr380Ter (NM_001030313.3); c.1293T>A, p.Tyr431Ter (NM_001160277.2); c.1425T>A (NM_001030311.2); short protein forms Y475*, Y336*, Y449*, Y380*, Y431*.
Identifiers: ClinVar variation 291001 (VCV000291001.12), dbSNP rs770284500, ClinGen allele CA10606979.

ClinVar aggregate classification (germline): Pathogenic/Likely pathogenic. Review status: criteria provided, multiple submitters, no conflicts (2 of 4 stars). 5 submissions from 5 submitters: Pathogenic (3); Likely pathogenic (2). Last evaluated 2025-11-17.

Conditions:
Retinitis pigmentosa 26 (RP26). Identifiers: Orphanet 791, MedGen C1842127, MONDO:0012024, OMIM 608380.

Allele frequency attached by ClinVar (database versions not stated): TOPMed 0.00001.

Submissions (5):

Myriad Genetics, Inc.
Classification: Pathogenic for Retinitis pigmentosa 26. Last evaluated: 2025-11-17. Review status: criteria provided, single submitter. Criteria: Myriad Autosomal Dominant, Autosomal Recessive and X-Linked Classification Criteria (2023). Collection method: clinical testing. Allele origin: unknown.
Comment: NM_001030311.2(CERKL):c.1425T>A(Y475*) is a nonsense variant classified as pathogenic in the context of retinitis pigmentosa, CERKL-related. Y475* has not been observed in cases with relevant disease. Relevant functional assessments of this variant are not available in the literature. Y475* has not been observed in referenced population frequency databases. In summary, NM_001030311.2(CERKL):c.1425T>A(Y475*) is a nonsense variant in a gene where loss of function is a known mechanism of disease and is predicted to disrupt protein function. Please note: this variant was assessed in the context of healthy population screening.

Natera, Inc.
Classification: Likely pathogenic for Retinitis Pigmentosa 26. Last evaluated: 2025-07-06. Review status: criteria provided, single submitter. Criteria: Natera Variant Classification Schema (03/2026). Collection method: clinical testing. Allele origin: germline.
Comment: The c.1425T>A variant in CERKL is a nonsense variant predicted to introduce a stop codon at amino acid 475. This variant is expected to result in nonsense mediated decay, truncation, or a dysfunctional protein product. This variant is rare in the general population with a frequency below the threshold expected for the associated phenotype(s). Given the available evidence, this variant is classified as Likely Pathogenic.

Baylor Genetics
Classification: Likely pathogenic for Retinitis pigmentosa 26. Last evaluated: 2024-02-01. Review status: criteria provided, single submitter. Criteria: ACMG Guidelines, 2015. Collection method: clinical testing. Allele origin: unknown.

Labcorp Genetics (formerly Invitae), Labcorp
Classification: Pathogenic. Last evaluated: 2023-07-16. Review status: criteria provided, single submitter. Criteria: Invitae Variant Classification Sherloc (09022015). Collection method: clinical testing. Allele origin: germline.
Comment: This sequence change creates a premature translational stop signal (p.Tyr475*) in the CERKL gene. It is expected to result in an absent or disrupted protein product. Loss-of-function variants in CERKL are known to be pathogenic (PMID: 14681825, 23591405, 24043777). This variant is not present in population databases (gnomAD no frequency). This variant has not been reported in the literature in individuals affected with CERKL-related conditions. ClinVar contains an entry for this variant (Variation ID: 291001). For these reasons, this variant has been classified as Pathogenic.

Eurofins Ntd Llc (ga)
Classification: Pathogenic. Last evaluated: 2016-09-21. Review status: criteria provided, single submitter. Criteria: EGL Classification Definitions 2015. Collection method: clinical testing. Allele origin: germline. Observed: 1 variant allele, 1 heterozygote.

Literature cited by the submitters: PubMed 14681825 (cited by Labcorp Genetics (formerly Invitae), Labcorp); PubMed 23591405 (cited by Labcorp Genetics (formerly Invitae), Labcorp); PubMed 24043777 (cited by Labcorp Genetics (formerly Invitae), Labcorp).